The following is an entry in ClinVar:

ClinVar aggregate classification (germline): Uncertain significance (1 of 4 stars; one submission).

Submission:

GeneDx
Classification: Uncertain significance. Last evaluated: 2023-02-04. Review status: criteria provided, single submitter. Criteria: GeneDx Variant Classification Process June 2021. Collection method: clinical testing. Allele origin: germline. Affected: yes.
Comment: Not observed at significant frequency in large population cohorts (gnomAD); In silico analysis supports that this missense variant does not alter protein structure/function; Has not been previously published as pathogenic or benign to our knowledge

NM_001378778.1(MPDZ):c.1699A>T (p.Ile567Leu)

Gene: MPDZ (multiple PDZ domain crumbs cell polarity complex component; minus strand). Cytogenetic location: 9p23.
Variant type: single nucleotide variant.
Coding change: c.1699A>T on transcript NM_001378778.1 (MANE Select); coding-DNA position 1699, A replaced by T.
Protein change: p.Ile567Leu; replaces isoleucine 567 with leucine.
Molecular consequence: missense variant.
Genome position (GRCh38, 1-based): chr9:13,193,271, T>A on the plus strand (A>T on the coding strand, the complement: MPDZ is on the minus strand). VCF-style: chr9-13193271-T-A. GRCh37 (hg19) VCF-style: chr9-13193270-T-A.
Other names: c.1699A>T, p.Ile567Leu (NM_001261406.2, NM_001261407.2, NM_001330637.2 and 14 more transcripts); short protein forms I567L.
Identifiers: ClinVar variation 2575646 (VCV002575646.1), dbSNP rs2494468984, ClinGen allele CA372940205.